The following is an entry in ClinVar:

NM_024652.6(LRRK1):c.4975C>T (p.Arg1659Trp)

Genes: LRRK1 (leucine rich repeat kinase 1; plus strand), LRRK1-AS1 (LRRK1 antisense RNA 1; minus strand). Cytogenetic location: 15q26.3.
Variant type: single nucleotide variant.
Coding change: c.4975C>T on transcript NM_024652.6 (MANE Select); coding-DNA position 4975, C replaced by T.
Protein change: p.Arg1659Trp; replaces arginine 1659 with tryptophan.
Molecular consequence: missense variant.
Genome position (GRCh38, 1-based): chr15:101,065,412, C>T. VCF-style: chr15-101065412-C-T. GRCh37 (hg19) VCF-style: chr15-101605617-C-T.
Other names: c.4975C>T (NM_024652.3); short protein forms R1659W.
Identifiers: ClinVar variation 2420344 (VCV002420344.5), dbSNP rs1015630432, ClinGen allele CA275631186.

ClinVar aggregate classification (germline): Uncertain significance. Review status: criteria provided, multiple submitters, no conflicts (2 of 4 stars). 2 submissions from 2 submitters: Uncertain significance (2). Last evaluated 2024-10-16.

Conditions:
Inborn genetic diseases. Identifiers: MedGen C0950123, MeSH D030342.

Allele frequency attached by ClinVar (database versions not stated): gnomAD exomes below 0.00001; TOPMed 0.00002; gnomAD 0.00005.
gnomAD v4.1: 12 of 1,613,942 alleles (0.00074%); highest among the groups gnomAD compares: African/African-American, 0.0067%; no homozygotes.

Submissions (2):

Labcorp Genetics (formerly Invitae), Labcorp
Classification: Uncertain significance. Last evaluated: 2024-10-16. Review status: criteria provided, single submitter. Criteria: Invitae Variant Classification Sherloc (09022015). Collection method: clinical testing. Allele origin: germline.
Comment: This sequence change replaces arginine, which is basic and polar, with tryptophan, which is neutral and slightly polar, at codon 1659 of the LRRK1 protein (p.Arg1659Trp). The frequency data for this variant in the population databases is considered unreliable, as metrics indicate poor data quality at this position in the gnomAD database. This variant has not been reported in the literature in individuals affected with LRRK1-related conditions. ClinVar contains an entry for this variant (Variation ID: 2420344). An algorithm developed to predict the effect of missense changes on protein structure and function outputs the following: PolyPhen-2: "Benign". The tryptophan amino acid residue is found in multiple mammalian species, which suggests that this missense change does not adversely affect protein function. In summary, the available evidence is currently insufficient to determine the role of this variant in disease. Therefore, it has been classified as a Variant of Uncertain Significance.

Ambry Genetics
Classification: Uncertain significance for Inborn genetic diseases. Last evaluated: 2023-12-20. Review status: criteria provided, single submitter. Criteria: Ambry Variant Classification Scheme 2023. Collection method: clinical testing. Allele origin: germline.